The following is an entry in ClinVar:

ClinVar aggregate classification (germline): Likely pathogenic (1 of 4 stars; one submission).

Conditions:
Glycogen storage disease, type II (IOPD). Also called: Glucosidase acid-1,4-alpha deficiency; Pompe Disease; CARDIOMEGALIA GLYCOGENICA DIFFUSA; Glycogen storage disease type 2; Acid maltase deficiency disease; Aglucosidase alfa. Identifiers: Orphanet 365, MedGen C0017921, MONDO:0009290, OMIM 232300.

Submission:

Natera, Inc.
Classification: Likely pathogenic for Glycogen storage disease type II. Last evaluated: 2024-12-11. Review status: criteria provided, single submitter. Criteria: Natera Variant Classification Schema (03/2026). Collection method: clinical testing. Allele origin: germline.
Comment: The c.1846G>C variant in GAA is a missense variant predicted to cause substitution of aspartic acid to histidine at amino acid 616. This variant is rare in the general population with a frequency below the threshold expected for the associated phenotype(s). This variant is located in a functionally critical region of the protein. A different variant at the same position has been determined to be Pathogenic or Likely Pathogenic. Computational prediction algorithms indicate this variant is likely to affect gene or protein function. Given the available evidence, this variant is classified as Likely Pathogenic.

NM_000152.5(GAA):c.1846G>C (p.Asp616His)

Gene: GAA (alpha glucosidase; plus strand). Cytogenetic location: 17q25.3.
Variant type: single nucleotide variant.
Coding change: c.1846G>C on transcript NM_000152.5 (MANE Select); coding-DNA position 1846, G replaced by C.
Protein change: p.Asp616His; replaces aspartic acid 616 with histidine.
Molecular consequence: missense variant.
Genome position (GRCh38, 1-based): chr17:80,112,669, G>C. VCF-style: chr17-80112669-G-C. GRCh37 (hg19) VCF-style: chr17-78086468-G-C.
Other names: c.1846G>C, p.Asp616His (NM_001079803.3, NM_001079804.3, NM_001406741.1 and 1 more transcripts); short protein forms D616H.
Identifiers: ClinVar variation 4817585 (VCV004817585.1).